The following is an entry in ClinVar:

ClinVar aggregate classification (germline): Uncertain significance (1 of 4 stars; one submission).

gnomAD v4.1: 1 of 1,569,448 alleles (0.000064%); highest among the groups gnomAD compares: Non-Finnish European, 0.000086%; no homozygotes.

Submission:

Labcorp Genetics (formerly Invitae), Labcorp
Classification: Uncertain significance. Last evaluated: 2024-09-29. Review status: criteria provided, single submitter. Criteria: Invitae Variant Classification Sherloc (09022015). Collection method: clinical testing. Allele origin: germline.
Comment: This sequence change affects codon 450 of the FSCN2 mRNA. It is a 'silent' change, meaning that it does not change the encoded amino acid sequence of the FSCN2 protein. This variant is not present in population databases (gnomAD no frequency). This variant has not been reported in the literature in individuals affected with FSCN2-related conditions. Algorithms developed to predict the effect of sequence changes on RNA splicing suggest that this variant may create or strengthen a splice site. In summary, the available evidence is currently insufficient to determine the role of this variant in disease. Therefore, it has been classified as a Variant of Uncertain Significance.

NM_012418.4(FSCN2):c.1278C>T (p.Arg426=)

Gene: FSCN2 (fascin actin-bundling protein 2, retinal; plus strand). Cytogenetic location: 17q25.3.
Variant type: single nucleotide variant.
Coding change: c.1278C>T on transcript NM_012418.4 (MANE Select); coding-DNA position 1278, C replaced by T.
Protein change: p.Arg426=; no amino-acid change (arginine 426 retained).
Molecular consequence: synonymous variant.
Genome position (GRCh38, 1-based): chr17:81,536,879, C>T. VCF-style: chr17-81536879-C-T. GRCh37 (hg19) VCF-style: chr17-79503905-C-T.
Other names: c.1350C>T, p.Arg450= (NM_001077182.3).
Identifiers: ClinVar variation 3630839 (VCV003630839.2).
Genomic context (GRCh38, chr17:81,536,879, plus strand): 5'-AGCGGGGGTGGCAGCGGGCAGGTGGGCACCCCCGCCGACGCCGTCCCGTCCCCCAGGCCG[C>T]GACGGAGGGTTCTGGTACACGGGCAGCCACGGCAGCGTGTGCAGCGACGGCGAACGCGCC-3'
Protein context (NP_036550.1, residues 416-436): FSDGAYRIRG[Arg426=]DGGFWYTGSH